The following is an entry in ClinVar:

ClinVar aggregate classification (germline): Uncertain significance (1 of 4 stars; one submission).

Allele frequency attached by ClinVar (database versions not stated): ExAC 0.00006.
gnomAD v4.1: 5 of 1,208,112 alleles (0.00041%); highest among the groups gnomAD compares: Non-Finnish European, 0.00045%; no homozygotes.

Submission:

Labcorp Genetics (formerly Invitae), Labcorp
Classification: Uncertain significance. Last evaluated: 2023-12-05. Review status: criteria provided, single submitter. Criteria: Invitae Variant Classification Sherloc (09022015). Collection method: clinical testing. Allele origin: germline.
Comment: This sequence change replaces aspartic acid, which is acidic and polar, with asparagine, which is neutral and polar, at codon 119 of the SSR4 protein (p.Asp119Asn). This variant is present in population databases (rs782282879, gnomAD 0.02%). This variant has not been reported in the literature in individuals affected with SSR4-related conditions. Experimental studies and prediction algorithms are not available or were not evaluated, and the functional significance of this variant is currently unknown. In summary, the available evidence is currently insufficient to determine the role of this variant in disease. Therefore, it has been classified as a Variant of Uncertain Significance.

NM_006280.3(SSR4):c.322G>A (p.Asp108Asn)

Gene: SSR4 (signal sequence receptor subunit 4; plus strand). Cytogenetic location: Xq28.
Variant type: single nucleotide variant.
Coding change: c.322G>A on transcript NM_006280.3 (MANE Select); coding-DNA position 322, G replaced by A.
Protein change: p.Asp108Asn; replaces aspartic acid 108 with asparagine.
Molecular consequence: missense variant.
Genome position (GRCh38, 1-based): chrX:153,797,785, G>A. VCF-style: chrX-153797785-G-A. GRCh37 (hg19) VCF-style: chrX-153063240-G-A.
Other names: c.355G>A, p.Asp119Asn (NM_001204526.2); c.346G>A, p.Asp116Asn (NM_001204527.2); short protein forms D116N, D119N, D108N.
Identifiers: ClinVar variation 2805259 (VCV002805259.3), dbSNP rs782282879, ClinGen allele CA10553332.